The following is an entry in ClinVar:

ClinVar aggregate classification (germline): Uncertain significance (1 of 4 stars; one submission).

Allele frequency attached by ClinVar (database versions not stated): gnomAD exomes below 0.00001.
gnomAD v4.1: 1 of 1,613,812 alleles (0.000062%); highest among the groups gnomAD compares: African/African-American, 0.0013%; no homozygotes.

Submission:

Ambry Genetics
Classification: Uncertain significance. Last evaluated: 2021-09-01. Review status: criteria provided, single submitter. Criteria: Ambry Variant Classification Scheme 2023. Collection method: clinical testing. Allele origin: germline.
Comment: The p.K1422R variant (also known as c.4265A>G), located in coding exon 33 of the PRKDC gene, results from an A to G substitution at nucleotide position 4265. The lysine at codon 1422 is replaced by arginine, an amino acid with highly similar properties. This amino acid position is conserved. Since supporting evidence is limited at this time, the clinical significance of this alteration remains unclear.

NM_006904.7(PRKDC):c.4265A>G (p.Lys1422Arg)

Gene: PRKDC (protein kinase, DNA-activated, catalytic subunit; minus strand). Cytogenetic location: 8q11.21.
Variant type: single nucleotide variant.
Coding change: c.4265A>G on transcript NM_006904.7 (MANE Select); coding-DNA position 4265, A replaced by G.
Protein change: p.Lys1422Arg; replaces lysine 1422 with arginine.
Molecular consequence: missense variant.
Genome position (GRCh38, 1-based): chr8:47,889,029, T>C on the plus strand (A>G on the coding strand, the complement: PRKDC is on the minus strand). VCF-style: chr8-47889029-T-C. GRCh37 (hg19) VCF-style: chr8-48801590-T-C.
Other names: c.4265A>G, p.Lys1422Arg (NM_001081640.2); short protein forms K1422R.
Identifiers: ClinVar variation 1739196 (VCV001739196.2), dbSNP rs2551873725, ClinGen allele CA371146138.